The following is an entry in ClinVar:

ClinVar aggregate classification (germline): Likely benign. Review status: criteria provided, single submitter (1 of 4 stars). 2 submissions from 2 submitters: Likely benign (1). 1 of the submissions does not count toward it. Last evaluated 2022-11-29.

Conditions:
SIX2-related disorder. Also called: SIX2-related condition.

Allele frequency attached by ClinVar (database versions not stated): ExAC 0.00003; TOPMed 0.00003; gnomAD 0.00004; gnomAD exomes 0.00005; ESP Exome Variant Server 0.00008; 1000 Genomes Project 30x 0.00016; 1000 Genomes Project 0.00020.

Submissions (2):

Labcorp Genetics (formerly Invitae), Labcorp
Classification: Likely benign. Last evaluated: 2022-11-29. Review status: criteria provided, single submitter. Criteria: Invitae Variant Classification Sherloc (09022015). Collection method: clinical testing. Allele origin: germline.

PreventionGenetics, part of Exact Sciences
Classification: Likely benign for SIX2-related condition. Last evaluated: 2024-09-12. Review status: no assertion criteria provided. Collection method: clinical testing. Allele origin: germline. Not counted in ClinVar's aggregate classification.
Comment: This variant is classified as likely benign based on ACMG/AMP sequence variant interpretation guidelines (Richards et al. 2015 PMID: 25741868, with internal and published modifications).

NM_016932.5(SIX2):c.621G>A (p.Ser207=)

Gene: SIX2 (SIX homeobox 2; minus strand). Cytogenetic location: 2p21.
Variant type: single nucleotide variant.
Coding change: c.621G>A on transcript NM_016932.5 (MANE Select); coding-DNA position 621, G replaced by A.
Protein change: p.Ser207=; no amino-acid change (serine 207 retained).
Molecular consequence: synonymous variant.
Genome position (GRCh38, 1-based): chr2:45,006,425, C>T on the plus strand (G>A on the coding strand, the complement: SIX2 is on the minus strand). VCF-style: chr2-45006425-C-T. GRCh37 (hg19) VCF-style: chr2-45233564-C-T.
Other names: c.621G>A (NM_016932.4).
Identifiers: ClinVar variation 2171566 (VCV002171566.5), dbSNP rs142758861, ClinGen allele CA1642520.